The following is an entry in ClinVar:

NM_001267550.2(TTN):c.102712C>T (p.Arg34238Cys)

Genes: TTN (titin; minus strand), TTN-AS1 (TTN antisense RNA 1; plus strand). Cytogenetic location: 2q31.2.
Variant type: single nucleotide variant.
Coding change: c.102712C>T on transcript NM_001267550.2 (MANE Select); coding-DNA position 102712, C replaced by T.
Protein change: p.Arg34238Cys; replaces arginine 34238 with cysteine.
Molecular consequence: missense variant.
Genome position (GRCh38, 1-based): chr2:178,533,903, G>A on the plus strand (C>T on the coding strand, the complement: TTN is on the minus strand). VCF-style: chr2-178533903-G-A. GRCh37 (hg19) VCF-style: chr2-179398630-G-A.
Other names: c.97789C>T, p.Arg32597Cys (NM_001256850.1); c.75517C>T, p.Arg25173Cys (NM_003319.4); c.95008C>T, p.Arg31670Cys (NM_133378.4); c.75892C>T, p.Arg25298Cys (NM_133432.3); c.76093C>T, p.Arg25365Cys (NM_133437.4); short protein forms R25173C, R25298C, R25365C, R31670C, R32597C, R34238C.
Identifiers: ClinVar variation 2690311 (VCV002690311.4), dbSNP rs1423837818, ClinGen allele CA349416919.

ClinVar aggregate classification (germline): Uncertain significance. Review status: criteria provided, multiple submitters, no conflicts (2 of 4 stars). 2 submissions from 2 submitters: Uncertain significance (2). Last evaluated 2025-12-06.

Conditions:
Dilated cardiomyopathy 1G (CMD1G). Identifiers: Orphanet 154, MedGen C1858763, MONDO:0011400, OMIM 604145.
Autosomal recessive limb-girdle muscular dystrophy type 2J (LGMDR10). Also called: MUSCULAR DYSTROPHY, LIMB-GIRDLE, AUTOSOMAL RECESSIVE 10; Limb-girdle muscular dystrophy, type 2J. Identifiers: Orphanet 140922, MedGen C1837342, MONDO:0012127, OMIM 608807.

Allele frequency attached by ClinVar (database versions not stated): gnomAD 0.00001; gnomAD exomes 0.00001.
gnomAD v4.1: 13 of 1,613,564 alleles (0.00081%); highest among the groups gnomAD compares: East Asian, 0.0022%; no homozygotes.

Submissions (2):

Labcorp Genetics (formerly Invitae), Labcorp
Classification: Uncertain significance for Dilated cardiomyopathy 1G; Autosomal recessive limb-girdle muscular dystrophy type 2J. Last evaluated: 2025-12-06. Review status: criteria provided, single submitter. Criteria: Invitae Variant Classification Sherloc (09022015). Collection method: clinical testing. Allele origin: germline.
Comment: This sequence change replaces arginine, which is basic and polar, with cysteine, which is neutral and slightly polar, at codon 34238 of the TTN protein (p.Arg34238Cys). This variant is present in population databases (no rsID available, gnomAD 0.003%). This missense change has been observed in individual(s) with TTN-related conditions (PMID: 31983221). ClinVar contains an entry for this variant (Variation ID: 2690311). Experimental studies and prediction algorithms are not available or were not evaluated, and the functional significance of this variant is currently unknown. This variant is located in the M band of TTN (PMID: 25589632). Non-truncating variants in this region may be relevant for neuromuscular disorders, but have not been definitively shown to cause cardiomyopathy (PMID: 23975875). In summary, the available evidence is currently insufficient to determine the role of this variant in disease. Therefore, it has been classified as a Variant of Uncertain Significance.

Revvity Omics, Revvity
Classification: Uncertain significance. Last evaluated: 2023-03-10. Review status: criteria provided, single submitter. Criteria: ACMG Guidelines, 2015. Collection method: clinical testing. Allele origin: germline.

Literature cited by the submitters: PubMed 31983221 (cited by Labcorp Genetics (formerly Invitae), Labcorp); PubMed 25589632 (cited by Labcorp Genetics (formerly Invitae), Labcorp); PubMed 23975875 (cited by Labcorp Genetics (formerly Invitae), Labcorp).